The following is an entry in ClinVar:

NM_001282225.2(ADA2):c.1442+31G>A

Gene: ADA2 (adenosine deaminase 2; minus strand). Cytogenetic location: 22q11.1.
Variant type: single nucleotide variant.
Coding change: c.1442+31G>A on transcript NM_001282225.2 (MANE Select); 31 bases into the intron after coding-DNA position 1442, G replaced by A.
Molecular consequence: intron variant.
Genome position (GRCh38, 1-based): chr22:17,181,789, C>T on the plus strand (G>A on the coding strand, the complement: ADA2 is on the minus strand). VCF-style: chr22-17181789-C-T. GRCh37 (hg19) VCF-style: chr22-17662679-C-T.
Other names: c.1316+31G>A (NM_001282227.2, NM_001282228.2); c.1082+31G>A (NM_001282229.2); c.1442+31G>A (NM_001282226.2); c.719+31G>A (NM_177405.3).
Identifiers: ClinVar variation 1266748 (VCV001266748.5), dbSNP rs41282461, ClinGen allele CA10087867.

ClinVar aggregate classification (germline): Benign. Review status: criteria provided, multiple submitters, no conflicts (2 of 4 stars). 3 submissions from 3 submitters: Benign (3). Last evaluated 2023-11-12.

Allele frequency attached by ClinVar (database versions not stated): 1000 Genomes Project 0.18730; 1000 Genomes Project 30x 0.18754; gnomAD exomes 0.24678 and 0.29922; ExAC 0.24992; TOPMed 0.25968; gnomAD 0.27090 and 0.27732; ESP Exome Variant Server 0.29348.
gnomAD v4.1: 467,038 of 1,578,648 alleles (30%); highest among the groups gnomAD compares: Non-Finnish European, 33%; 73,240 homozygotes.

Submissions (3):

Unidad de Genómica Garrahan, Hospital de Pediatría Garrahan
Classification: Benign. Last evaluated: 2023-11-12. Review status: criteria provided, single submitter. Criteria: ACMG Guidelines, 2015. Collection method: clinical testing. Allele origin: germline. Affected: no. Observed: 33 variant alleles.
Comment: This variant is classified as Benign based on local population frequency. This variant was detected in 34% of patients studied by a panel of primary immunodeficiencies. Number of patients: 33. Only high quality variants are reported.

GeneDx
Classification: Benign. Last evaluated: 2021-05-10. Review status: criteria provided, single submitter. Criteria: GeneDx Variant Classification Process June 2021. Collection method: clinical testing. Allele origin: germline. Affected: yes.

Breakthrough Genomics
Classification: Benign. Review status: criteria provided, single submitter. Criteria: ACMG Guidelines, 2015. Collection method: not provided. Allele origin: germline. Inheritance: Autosomal recessive inheritance. Affected: yes.